The following is an entry in ClinVar:

ClinVar aggregate classification (germline): Benign (1 of 4 stars; one submission).

Allele frequency attached by ClinVar (database versions not stated): gnomAD 0.08083 and 0.08510; 1000 Genomes Project 0.08387; TOPMed 0.08796; 1000 Genomes Project 30x 0.09026.

Submission:

GeneDx
Classification: Benign. Last evaluated: 2018-06-14. Review status: criteria provided, single submitter. Criteria: GeneDx Variant Classification (06012015). Collection method: clinical testing. Allele origin: germline. Affected: yes.
Comment: This variant is considered likely benign or benign based on one or more of the following criteria: it is a conservative change, it occurs at a poorly conserved position in the protein, it is predicted to be benign by multiple in silico algorithms, and/or has population frequency not consistent with disease.

NM_001854.4(COL11A1):c.3979-278A>G

Gene: COL11A1 (collagen type XI alpha 1 chain; minus strand). Cytogenetic location: 1p21.1.
Variant type: single nucleotide variant.
Coding change: c.3979-278A>G on transcript NM_001854.4 (MANE Select); 278 bases into the intron before coding-DNA position 3979, A replaced by G.
Molecular consequence: intron variant.
Genome position (GRCh38, 1-based): chr1:102,913,968, T>C on the plus strand (A>G on the coding strand, the complement: COL11A1 is on the minus strand). VCF-style: chr1-102913968-T-C. GRCh37 (hg19) VCF-style: chr1-103379524-T-C.
Other names: c.3862-278A>G (NM_001190709.2); c.4015-278A>G (NM_080629.3); c.3631-278A>G (NM_080630.4).
Identifiers: ClinVar variation 681286 (VCV000681286.1), dbSNP rs992099, ClinGen allele CA27676179.
Genomic context (GRCh38, chr1:102,913,968, plus strand): 5'-AAAATCCAGCATGCTCTTTATATAAGGAAGAAAGAAGATGTCATTAGTATACAATGTCAG[T>C]GAATCATTTCACCATGAACAAATATGGTATAGTTTGAAATAGGATTTGCATTATAGAAGA-3'